The following is an entry in ClinVar:

NC_000020.10:g.(?_8608921)_(8862496_?)dup

Gene: PLCB1 (phospholipase C beta 1; plus strand). Cytogenetic location: 20p12.3.
Variant type: Duplication.
Identifiers: ClinVar variation 2426094 (VCV002426094.6).

ClinVar aggregate classification (germline): Uncertain significance (1 of 4 stars; one submission).

Conditions:
Developmental and epileptic encephalopathy, 12 (DEE12). Identifiers: MedGen C3150988, MONDO:0013389, OMIM 613722.

Submission:

Labcorp Genetics (formerly Invitae), Labcorp
Classification: Uncertain significance for Developmental and epileptic encephalopathy, 12. Last evaluated: 2022-04-01. Review status: criteria provided, single submitter. Criteria: Invitae Variant Classification Sherloc (09022015). Collection method: clinical testing. Allele origin: germline.
Comment: This variant results in a copy number gain of the genomic region encompassing exon(s) 4-32 of the PLCB1 gene. This region includes the termination codon of the gene. This copy number gain extends beyond the assayed region for this gene and therefore may encompass additional genes. As the precise location of this event is unknown, it may be in tandem or it may be located elsewhere in the genome. This variant has not been reported in the literature in individuals affected with PLCB1-related conditions. Experimental studies and prediction algorithms are not available or were not evaluated, and the functional significance of this variant is currently unknown. In summary, the available evidence is currently insufficient to determine the role of this variant in disease. Therefore, it has been classified as a Variant of Uncertain Significance.